The following is an entry in ClinVar:

NM_000059.4(BRCA2):c.8420C>A (p.Ser2807Ter)

Gene: BRCA2 (BRCA2 DNA repair associated; plus strand). Cytogenetic location: 13q13.1.
Variant type: single nucleotide variant.
Coding change: c.8420C>A on transcript NM_000059.4 (MANE Select); coding-DNA position 8420, C replaced by A.
Protein change: p.Ser2807Ter; replaces serine 2807 with a stop codon.
Molecular consequence: nonsense.
Genome position (GRCh38, 1-based): chr13:32,370,490, C>A. VCF-style: chr13-32370490-C-A. GRCh37 (hg19) VCF-style: chr13-32944627-C-A.
Other names: short protein forms S2807*.
Identifiers: ClinVar variation 216033 (VCV000216033.15), dbSNP rs55763607, ClinGen allele CA336160.

ClinVar aggregate classification (germline): Pathogenic. Review status: reviewed by expert panel (3 of 4 stars). 3 submissions from 3 submitters: Pathogenic (1). 2 of the submissions do not count toward it. Last evaluated 2016-09-08.

Conditions:
Hereditary cancer-predisposing syndrome. Also called: Tumor predisposition; Hereditary Cancer Syndrome; Neoplastic Syndromes, Hereditary; Hereditary neoplastic syndrome. Identifiers: Orphanet 140162, MedGen C0027672, MeSH D009386, MONDO:0015356.
Hereditary breast ovarian cancer syndrome. Also called: Hereditary breast and/or ovarian cancer syndrome; BRCA1- and BRCA2-Associated Hereditary Breast and Ovarian Cancer; Hereditary breast and ovarian cancer; Hereditary breast and ovarian cancer syndrome (HBOC); Breast and ovarian cancer; Hereditary breast and ovarian cancer syndrome. Identifiers: Orphanet 145, MedGen C0677776, MeSH D061325, MONDO:0003582. Disease mechanism: loss of function.
Breast-ovarian cancer, familial, susceptibility to, 2 (BROVCA2). Also called: BRCA2 Hereditary Breast and Ovarian Cancer. Identifiers: Orphanet 145, MedGen C2675520, MONDO:0012933, OMIM 612555. Disease mechanism: loss of function.

Submissions (3):

Evidence-based Network for the Interpretation of Germline Mutant Alleles (ENIGMA)
Classification: Pathogenic for Breast-ovarian cancer, familial, susceptibility to, 2. Last evaluated: 2016-09-08. Review status: reviewed by expert panel. Criteria: ENIGMA BRCA1/2 Classification Criteria (2015). Collection method: curation. Allele origin: germline.
Comment: Variant allele predicted to encode a truncated non-functional protein.

Ambry Genetics
Classification: Pathogenic for Hereditary cancer-predisposing syndrome. Last evaluated: 2021-11-15. Review status: criteria provided, single submitter. Criteria: Ambry Variant Classification Scheme 2023. Collection method: clinical testing. Allele origin: germline. Not counted in ClinVar's aggregate classification.
Comment: The p.S2807* pathogenic mutation (also known as c.8420C>A), located in coding exon 18 of the BRCA2 gene, results from a C to A substitution at nucleotide position 8420. This changes the amino acid from a serine to a stop codon within coding exon 18. This variant is considered to be rare based on population cohorts in the Genome Aggregation Database (gnomAD). This alteration is expected to result in loss of function by premature protein truncation or nonsense-mediated mRNA decay. As such, this alteration is interpreted as a disease-causing mutation.

Labcorp Genetics (formerly Invitae), Labcorp
Classification: Pathogenic for Hereditary breast ovarian cancer syndrome. Last evaluated: 2018-11-21. Review status: criteria provided, single submitter. Criteria: Invitae Variant Classification Sherloc (09022015). Collection method: clinical testing. Allele origin: germline. Not counted in ClinVar's aggregate classification.
Comment: For these reasons, this variant has been classified as Pathogenic. While this particular sequence change has not been reported in the literature, truncating sequence changes in BRCA2 are known to be pathogenic (PMID: 20104584). This sequence change creates a premature translational stop signal at codon 2807 (p.Ser2807*). It is expected to result in an absent or disrupted protein product.

Literature cited by the submitters: PubMed 20104584 (cited by Labcorp Genetics (formerly Invitae), Labcorp).